The following is an entry in ClinVar:

ClinVar aggregate classification (germline): Pathogenic. Review status: criteria provided, multiple submitters, no conflicts (2 of 4 stars). 6 submissions from 6 submitters: Pathogenic (6). Last evaluated 2026-06-05.

Conditions:
Osteogenesis imperfecta type 14. Also called: Osteogenesis imperfecta, type xiv; OI, TYPE XIV. Identifiers: Orphanet 666, MedGen C3554428, MONDO:0014029, OMIM 615066.
TMEM38B-related disorder. Also called: TMEM38B-related condition.

Allele frequency attached by ClinVar (database versions not stated): gnomAD 0.00001; gnomAD exomes 0.00001; TOPMed 0.00001.
gnomAD v4.1: 7 of 1,613,600 alleles (0.00043%); highest among the groups gnomAD compares: South Asian, 0.0055%; no homozygotes.

Submissions (6):

PreventionGenetics, part of Exact Sciences
Classification: Pathogenic for TMEM38B-related condition. Last evaluated: 2026-06-05. Review status: criteria provided, single submitter. Criteria: ACMG Guidelines, 2015. Collection method: clinical testing. Allele origin: germline.
Comment: The TMEM38B c.507G>A variant is predicted to result in premature protein termination (p.Trp169*). This variant has been reported in the homozygous and compound heterozygous states in multiple individuals with osteogenesis imperfecta (see for example: Lv et al. 2016. PubMed ID: 26911354; Cabral et al. 2016. PubMed ID: 27441836; Liu et al. 2017. PubMed ID: 28725987; Essawi et al. 2017. PubMed ID: 29150909; Cao et al. 2019. PubMed ID: 30913006; Table 2. Madhuri et al. 2020. PubMed ID: 32770541). This variant is reported in 0.0065% of alleles in individuals of South Asian descent in gnomAD and is interpreted as pathogenic in ClinVar (Variation ID: 1323694). Nonsense variants in TMEM38B are expected to be pathogenic. This variant is interpreted as pathogenic.

3billion
Classification: Pathogenic for Osteogenesis imperfecta type 14. Last evaluated: 2025-10-02. Review status: criteria provided, single submitter. Criteria: ACMG Guidelines, 2015. Collection method: clinical testing. Allele origin: germline. Affected: yes.
Comment: The variant is observed at an extremely low frequency in the gnomAD v4.1.0 dataset (total allele frequency: <0.001%). Predicted Consequence/Location: Stop-gained (nonsense): predicted to result in a loss or disruption of normal protein function through nonsense-mediated decay (NMD) or protein truncation. Multiple pathogenic variants are reported downstream of the variant. The variant has been reported at least twice as pathogenic with clinical assertions and evidence for the classification (ClinVar ID: VCV001323694 /PMID: 26911354). Therefore, this variant is classified as Pathogenic according to the recommendation of ACMG/AMP guideline.

Labcorp Genetics (formerly Invitae), Labcorp
Classification: Pathogenic. Last evaluated: 2024-05-12. Review status: criteria provided, single submitter. Criteria: Invitae Variant Classification Sherloc (09022015). Collection method: clinical testing. Allele origin: germline.
Comment: This sequence change creates a premature translational stop signal (p.Trp169*) in the TMEM38B gene. It is expected to result in an absent or disrupted protein product. Loss-of-function variants in TMEM38B are known to be pathogenic (PMID: 17611541, 23054245). This variant is present in population databases (no rsID available, gnomAD 0.006%). This premature translational stop signal has been observed in individual(s) with osteogenesis imperfecta (PMID: 26911354). ClinVar contains an entry for this variant (Variation ID: 1323694). Algorithms developed to predict the effect of sequence changes on RNA splicing suggest that this variant may disrupt the consensus splice site. For these reasons, this variant has been classified as Pathogenic.

Fulgent Genetics
Classification: Pathogenic for Osteogenesis imperfecta type 14. Last evaluated: 2024-04-05. Review status: criteria provided, single submitter. Criteria: ACMG Guidelines, 2015. Collection method: clinical testing. Allele origin: germline.

Genomic Medicine Center of Excellence, King Faisal Specialist Hospital and Research Centre
Classification: Pathogenic for Osteogenesis imperfecta type 14. Last evaluated: 2024-03-26. Review status: criteria provided, single submitter. Criteria: ACMG Guidelines, 2015. Collection method: clinical testing. Allele origin: germline.

Revvity Omics, Revvity
Classification: Pathogenic for Osteogenesis imperfecta type 14. Last evaluated: 2020-01-30. Review status: criteria provided, single submitter. Criteria: ACMG Guidelines, 2015. Collection method: clinical testing. Allele origin: germline.

Literature cited by the submitters: PubMed 26911354 (cited by 3billion and Labcorp Genetics (formerly Invitae), Labcorp); PubMed 17611541 (cited by Labcorp Genetics (formerly Invitae), Labcorp); PubMed 23054245 (cited by Labcorp Genetics (formerly Invitae), Labcorp).

NM_018112.3(TMEM38B):c.507G>A (p.Trp169Ter)

Gene: TMEM38B (transmembrane protein 38B; plus strand). Cytogenetic location: 9q31.2.
Variant type: single nucleotide variant.
Coding change: c.507G>A on transcript NM_018112.3 (MANE Select); coding-DNA position 507, G replaced by A.
Protein change: p.Trp169Ter; replaces tryptophan 169 with a stop codon.
Molecular consequence: nonsense.
Genome position (GRCh38, 1-based): chr9:105,722,586, G>A. VCF-style: chr9-105722586-G-A. GRCh37 (hg19) VCF-style: chr9-108484867-G-A.
Other names: short protein forms W169*.
Identifiers: ClinVar variation 1323694 (VCV001323694.13), dbSNP rs1179429999, ClinGen allele CA374380597.